The following is an entry in ClinVar:

ClinVar aggregate classification (germline): other (0 of 4 stars; one submission).

Conditions:
Familial colorectal cancer. Identifiers: MedGen CN280943, MONDO:0023113. Disease mechanism: loss of function.

Submission:

Systems Biology Platform Zhejiang California International NanoSystems Institute
Classification: other for Familial colorectal cancer. Review status: no assertion criteria provided. Collection method: not provided. Allele origin: unknown.
ClinVar note: Converted during submission from cancer to other.

NM_000038.6(APC):c.422+1806A>C

Gene: APC (APC regulator of WNT signaling pathway; plus strand). Cytogenetic location: 5q22.2.
Variant type: single nucleotide variant.
Coding change: c.422+1806A>C on transcript NM_000038.6 (MANE Select); 1806 bases into the intron after coding-DNA position 422, A replaced by C.
Molecular consequence: intron variant.
Genome position (GRCh38, 1-based): chr5:112,769,196, A>C. VCF-style: chr5-112769196-A-C. GRCh37 (hg19) VCF-style: chr5-112104893-A-C.
Other names: c.422+1806A>C (NM_001354895.2, NM_001127510.3, NM_001354896.2 and 2 more transcripts); c.452+1806A>C (NM_001354897.2, NM_001354902.2, NM_001127511.3); c.347+1806A>C (NM_001354898.2, NM_001354904.2); c.-614+1806A>C (NM_001354906.2); c.245+1806A>C (NM_001354900.2, NM_001354901.2, NM_001354905.2).
Identifiers: ClinVar variation 82412 (VCV000082412.2), dbSNP rs75110922, ClinGen allele CA009038.
Genomic context (GRCh38, chr5:112,769,196, plus strand): 5'-CACCTCCTAGGTTCAAGCAATTCTCATGTCTCAGCCTCCCGGGTAGCTGGGATTACAGGC[A>C]CGCCCCACCGCGTCCGGCTAATTTTTGTATTTTTAGTAGAGATGGGATTTCACCATGTTG-3'